The following is an entry in ClinVar:

NM_019066.5(MAGEL2):c.1189C>G (p.Gln397Glu)

Gene: MAGEL2 (MAGE family member L2; minus strand). Cytogenetic location: 15q11.2.
Variant type: single nucleotide variant.
Coding change: c.1189C>G on transcript NM_019066.5 (MANE Select); coding-DNA position 1189, C replaced by G.
Protein change: p.Gln397Glu; replaces glutamine 397 with glutamic acid.
Molecular consequence: missense variant.
Genome position (GRCh38, 1-based): chr15:23,646,554, G>C on the plus strand (C>G on the coding strand, the complement: MAGEL2 is on the minus strand). VCF-style: chr15-23646554-G-C. GRCh37 (hg19) VCF-style: chr15-23891701-G-C.
Other names: short protein forms Q397E.
Identifiers: ClinVar variation 1700946 (VCV001700946.3), dbSNP rs1180845229, ClinGen allele CA391334981.
Genomic context (GRCh38, chr15:23,646,554, plus strand): 5'-GGATGGGCGGGGGCCCCTGGCGCATGGGCGGCGGCACCTGCCAGGTAACGGCTGGTGCCT[G>C]CCAGGTGACCTGCGTGGTCTGCCAAGTCAGGGGAGTGGCCTGCCAGCCTTGCTGCGTGGC-3'
Protein context (NP_061939.3, residues 387-407): LTWQTTQVTW[Gln397Glu]APAVTWQVPP

ClinVar aggregate classification (germline): Uncertain significance (1 of 4 stars; one submission).

Submission:

GeneDx
Classification: Uncertain significance. Last evaluated: 2024-10-03. Review status: criteria provided, single submitter. Criteria: GeneDx Variant Classification Process June 2021. Collection method: clinical testing. Allele origin: germline. Affected: yes.
Comment: Not observed at significant frequency in large population cohorts (gnomAD); In silico analysis indicates that this missense variant does not alter protein structure/function; Has not been previously published as pathogenic or benign to our knowledge